The following is an entry in ClinVar:

NM_000322.5(PRPH2):c.252C>T (p.Asp84=)

Gene: PRPH2 (peripherin 2; minus strand). Cytogenetic location: 6p21.1.
Variant type: single nucleotide variant.
Coding change: c.252C>T on transcript NM_000322.5 (MANE Select); coding-DNA position 252, C replaced by T.
Protein change: p.Asp84=; no amino-acid change (aspartic acid 84 retained).
Molecular consequence: synonymous variant.
Genome position (GRCh38, 1-based): chr6:42,722,083, G>A on the plus strand (C>T on the coding strand, the complement: PRPH2 is on the minus strand). VCF-style: chr6-42722083-G-A. GRCh37 (hg19) VCF-style: chr6-42689821-G-A.
Identifiers: ClinVar variation 356779 (VCV000356779.39), dbSNP rs139936445, ClinGen allele CA3808644.

ClinVar aggregate classification (germline): Conflicting classifications of pathogenicity. Review status: criteria provided, conflicting classifications (1 of 4 stars). 9 submissions from 4 submitters: Uncertain significance (4); Likely benign (5). Last evaluated 2026-01-17.

Conditions:
Cone-rod dystrophy. Also called: Cone/cone-rod dystrophy; Cone-rod degeneration. Identifiers: Orphanet 1872, MedGen C4085590, MONDO:0015993, HP:0000548.
PRPH2-related disorder. Also called: PRPH2-related condition; PRPH2-related disorders. Identifiers: MedGen CN239395.
Patterned macular dystrophy 1. Also called: MACULAR DYSTROPHY, BUTTERFLY-SHAPED PIGMENTARY; BUTTERFLY DYSTROPHY OF RETINAL PIGMENT EPITHELIUM. Identifiers: Orphanet 99001, MedGen C4551999, MONDO:0008210, OMIM 169150.
Choroidal dystrophy, central areolar 2 (CACD2). Also called: Choriodal Dystrophy, Central Areolar 2; MACULAR DYSTROPHY, PROGRESSIVE. Identifiers: Orphanet 75377, MedGen C2751290, MONDO:0013137, OMIM 613105.
Adult-onset foveomacular vitelliform dystrophy. Also called: FOVEOMACULAR DYSTROPHY, ADULT-ONSET; Adult onset vitelliform dystrophy; FOVEOMACULAR DYSTROPHY, ADULT-ONSET, WITH OR WITHOUT CHOROIDAL NEOVASCULARIZATION. Identifiers: Orphanet 99000, MedGen C1842914, MONDO:0011979.
Retinitis pigmentosa (RP). Identifiers: Orphanet 791, MedGen C0035334, MeSH D012174, MONDO:0019200, OMIM 268000. Inheritance: Autosomal dominant, autosomal recessive and X linked inheritance.
Pigmentary retinal dystrophy. Also called: Fundus albipunctatus. Identifiers: Orphanet 227796, Orphanet 52427, MedGen C0311338, MONDO:0007639, OMIM 136880, HP:0030642.

Allele frequency attached by ClinVar (database versions not stated): gnomAD 0.00017 and 0.00018; TOPMed 0.00017; 1000 Genomes Project 30x 0.00031; ESP Exome Variant Server 0.00038; 1000 Genomes Project 0.00040.
gnomAD v4.1: 208 of 1,614,174 alleles (0.013%); highest among the groups gnomAD compares: Admixed American, 0.023%; no homozygotes.

Submissions (9):

Labcorp Genetics (formerly Invitae), Labcorp
Classification: Likely benign for PRPH2-related disorder. Last evaluated: 2026-01-17. Review status: criteria provided, single submitter. Criteria: Invitae Variant Classification Sherloc (09022015). Collection method: clinical testing. Allele origin: germline.

Blueprint Genetics
Classification: Likely benign. Last evaluated: 2024-11-08. Review status: criteria provided, single submitter. Criteria: ACMG Guidelines, 2015. Collection method: clinical testing. Allele origin: germline.

CeGaT Center for Human Genetics Tuebingen
Classification: Likely benign. Last evaluated: 2022-03-01. Review status: criteria provided, single submitter. Criteria: CeGaT Center For Human Genetics Tuebingen Variant Classification Criteria Version 2. Collection method: clinical testing. Allele origin: germline. Affected: yes. Observed: 1 variant allele.
Comment: PRPH2: BP4, BP7

Illumina Laboratory Services, Illumina
Classification: Uncertain significance for Retinitis pigmentosa. Last evaluated: 2018-01-13. Review status: criteria provided, single submitter. Criteria: ICSL Variant Classification Criteria 13 December 2019. Collection method: clinical testing. Allele origin: germline.

Illumina Laboratory Services, Illumina
Classification: Uncertain significance for Cone-rod dystrophy. Last evaluated: 2018-01-13. Review status: criteria provided, single submitter. Criteria: ICSL Variant Classification Criteria 13 December 2019. Collection method: clinical testing. Allele origin: germline.

Illumina Laboratory Services, Illumina
Classification: Likely benign for Choroidal dystrophy, central areolar 2. Last evaluated: 2018-01-13. Review status: criteria provided, single submitter. Criteria: ICSL Variant Classification Criteria 13 December 2019. Collection method: clinical testing. Allele origin: germline.
Comment: This variant was observed in the ICSL laboratory as part of a predisposition screen in an ostensibly healthy population. It had not been previously curated by ICSL or reported in the Human Gene Mutation Database (HGMD: prior to June 1st, 2018), and was therefore a candidate for classification through an automated scoring system. Utilizing variant allele frequency, disease prevalence and penetrance estimates, and inheritance mode, an automated score was calculated to assess if this variant is too frequent to cause the disease. Based on the score and internal cut-off values, a variant classified as likely benign is not then subjected to further curation. The score for this variant resulted in a classification of likely benign for this disease.

Illumina Laboratory Services, Illumina
Classification: Uncertain significance for Patterned macular dystrophy 1. Last evaluated: 2018-01-13. Review status: criteria provided, single submitter. Criteria: ICSL Variant Classification Criteria 13 December 2019. Collection method: clinical testing. Allele origin: germline.

Illumina Laboratory Services, Illumina
Classification: Likely benign for Vitelliform macular dystrophy 3. Last evaluated: 2018-01-13. Review status: criteria provided, single submitter. Criteria: ICSL Variant Classification Criteria 13 December 2019. Collection method: clinical testing. Allele origin: germline.
Comment: the same text as in the submission from Illumina Laboratory Services, Illumina above.

Illumina Laboratory Services, Illumina
Classification: Uncertain significance for Pigmentary retinal dystrophy. Last evaluated: 2018-01-13. Review status: criteria provided, single submitter. Criteria: ICSL Variant Classification Criteria 13 December 2019. Collection method: clinical testing. Allele origin: germline.